The following is an entry in ClinVar:

NM_006231.4(POLE):c.5573G>A (p.Arg1858His)

Gene: POLE (DNA polymerase epsilon, catalytic subunit; minus strand). Cytogenetic location: 12q24.33.
Variant type: single nucleotide variant.
Coding change: c.5573G>A on transcript NM_006231.4 (MANE Select); coding-DNA position 5573, G replaced by A.
Protein change: p.Arg1858His; replaces arginine 1858 with histidine.
Molecular consequence: missense variant.
Genome position (GRCh38, 1-based): chr12:132,638,119, C>T on the plus strand (G>A on the coding strand, the complement: POLE is on the minus strand). VCF-style: chr12-132638119-C-T. GRCh37 (hg19) VCF-style: chr12-133214705-C-T.
Other names: c.5573G>A (NM_006231.2); short protein forms R1858H.
Identifiers: ClinVar variation 540672 (VCV000540672.12), dbSNP rs1445288473, ClinGen allele CA387374178.

ClinVar aggregate classification (germline): Uncertain significance. Review status: criteria provided, multiple submitters, no conflicts (2 of 4 stars). 6 submissions from 6 submitters: Uncertain significance (5). 1 of the submissions does not count toward it. Last evaluated 2025-03-25.

Conditions:
Hereditary cancer-predisposing syndrome. Also called: Hereditary Cancer Syndrome; Neoplastic Syndromes, Hereditary; Tumor predisposition; Hereditary neoplastic syndrome. Identifiers: Orphanet 140162, MedGen C0027672, MeSH D009386, MONDO:0015356.
POLE-related disorder. Also called: POLE-related disorders; POLE-related condition.
Familial colorectal cancer. Identifiers: MedGen CN280943, MONDO:0023113. Disease mechanism: loss of function.

Allele frequency attached by ClinVar (database versions not stated): TOPMed 0.00001.
gnomAD v4.1: 12 of 1,613,802 alleles (0.00074%); highest among the groups gnomAD compares: East Asian, 0.0022%; no homozygotes.

Submissions (6):

Labcorp Genetics (formerly Invitae), Labcorp
Classification: Uncertain significance. Last evaluated: 2025-03-25. Review status: criteria provided, single submitter. Criteria: Invitae Variant Classification Sherloc (09022015). Collection method: clinical testing. Allele origin: germline.
Comment: This sequence change replaces arginine, which is basic and polar, with histidine, which is basic and polar, at codon 1858 of the POLE protein (p.Arg1858His). This variant is present in population databases (no rsID available, gnomAD 0.006%). This variant has not been reported in the literature in individuals affected with POLE-related conditions. ClinVar contains an entry for this variant (Variation ID: 540672). Invitae Evidence Modeling of protein sequence and biophysical properties (such as structural, functional, and spatial information, amino acid conservation, physicochemical variation, residue mobility, and thermodynamic stability) indicates that this missense variant is not expected to disrupt POLE protein function with a negative predictive value of 80%. In summary, the available evidence is currently insufficient to determine the role of this variant in disease. Therefore, it has been classified as a Variant of Uncertain Significance.

Ambry Genetics
Classification: Uncertain significance for Hereditary cancer-predisposing syndrome. Last evaluated: 2024-10-17. Review status: criteria provided, single submitter. Criteria: Ambry Variant Classification Scheme 2023. Collection method: clinical testing. Allele origin: germline.
Comment: The p.R1858H variant (also known as c.5573G>A), located in coding exon 41 of the POLE gene, results from a G to A substitution at nucleotide position 5573. The arginine at codon 1858 is replaced by histidine, an amino acid with highly similar properties. This amino acid position is highly conserved in available vertebrate species. In addition, the in silico prediction for this alteration is inconclusive. Based on the available evidence, the clinical significance of this variant remains unclear.

GeneDx
Classification: Uncertain significance. Last evaluated: 2023-08-27. Review status: criteria provided, single submitter. Criteria: GeneDx Variant Classification Process June 2021. Collection method: clinical testing. Allele origin: germline. Affected: yes.
Comment: Not observed at significant frequency in large population cohorts (gnomAD); In silico analysis supports that this missense variant has a deleterious effect on protein structure/function; Observed in an individual with breast cancer (PMID: 35264596); This variant is associated with the following publications: (PMID: 33569431, 35264596)

Blueprint Genetics
Classification: Uncertain significance. Last evaluated: 2018-09-05. Review status: criteria provided, single submitter. Criteria: ACMG Guidelines, 2015. Collection method: clinical testing. Allele origin: germline.

Mendelics
Classification: Uncertain significance for Familial colorectal cancer. Last evaluated: 2018-07-02. Review status: criteria provided, single submitter. Criteria: Mendelics Assertion Criteria 2017. Collection method: clinical testing. Allele origin: unknown.

PreventionGenetics, part of Exact Sciences
Classification: Uncertain significance for POLE-related condition. Last evaluated: 2024-04-03. Review status: no assertion criteria provided. Collection method: clinical testing. Allele origin: germline. Not counted in ClinVar's aggregate classification.
Comment: The POLE c.5573G>A variant is predicted to result in the amino acid substitution p.Arg1858His. This variant has been reported with uncertain significance in a study of Brazilian breast cancer patients (Supplementary Table 3, Guindalini et al. 2022. PubMed ID: 35264596). This variant is reported in 0.0065% of alleles in individuals of South Asian descent in gnomAD and is interpreted as uncertain in ClinVar. At this time, the clinical significance of this variant is uncertain due to the absence of conclusive functional and genetic evidence.